The following is an entry in ClinVar:

NM_000611.6(CD59):c.298C>T (p.Leu100Phe)

Gene: CD59 (CD59 molecule (CD59 blood group); minus strand). Cytogenetic location: 11p13.
Variant type: single nucleotide variant.
Coding change: c.298C>T on transcript NM_000611.6 (MANE Select); coding-DNA position 298, C replaced by T.
Protein change: p.Leu100Phe; replaces leucine 100 with phenylalanine.
Molecular consequence: missense variant.
Genome position (GRCh38, 1-based): chr11:33,710,215, G>A on the plus strand (C>T on the coding strand, the complement: CD59 is on the minus strand). VCF-style: chr11-33710215-G-A. GRCh37 (hg19) VCF-style: chr11-33731761-G-A.
Other names: c.298C>T, p.Leu100Phe (NM_001127223.1, NM_001127225.2, NM_001127226.2 and 4 more transcripts); short protein forms L100F.
Identifiers: ClinVar variation 1482320 (VCV001482320.3), dbSNP rs764645328, ClinGen allele CA219595554.

ClinVar aggregate classification (germline): Uncertain significance (1 of 4 stars; one submission).

Allele frequency attached by ClinVar (database versions not stated): gnomAD 0.00001; TOPMed 0.00002.
gnomAD v4.1: 26 of 1,614,042 alleles (0.0016%); highest among the groups gnomAD compares: Non-Finnish European, 0.002%; no homozygotes.

Submission:

Labcorp Genetics (formerly Invitae), Labcorp
Classification: Uncertain significance. Last evaluated: 2021-11-22. Review status: criteria provided, single submitter. Criteria: Invitae Variant Classification Sherloc (09022015). Collection method: clinical testing. Allele origin: germline.
Comment: This sequence change replaces leucine, which is neutral and non-polar, with phenylalanine, which is neutral and non-polar, at codon 100 of the CD59 protein (p.Leu100Phe). This variant is present in population databases (no rsID available, gnomAD 0.0009%). This variant has not been reported in the literature in individuals affected with CD59-related conditions. Algorithms developed to predict the effect of missense changes on protein structure and function (SIFT, PolyPhen-2, Align-GVGD) all suggest that this variant is likely to be tolerated. In summary, the available evidence is currently insufficient to determine the role of this variant in disease. Therefore, it has been classified as a Variant of Uncertain Significance.